The following is an entry in ClinVar:

NM_021964.3(ZNF148):c.887C>T (p.Thr296Ile)

Gene: ZNF148 (zinc finger protein 148; minus strand). Cytogenetic location: 3q21.2.
Variant type: single nucleotide variant.
Coding change: c.887C>T on transcript NM_021964.3 (MANE Select); coding-DNA position 887, C replaced by T.
Protein change: p.Thr296Ile; replaces threonine 296 with isoleucine.
Molecular consequence: missense variant.
Genome position (GRCh38, 1-based): chr3:125,233,839, G>A on the plus strand (C>T on the coding strand, the complement: ZNF148 is on the minus strand). VCF-style: chr3-125233839-G-A. GRCh37 (hg19) VCF-style: chr3-124952683-G-A.
Other names: c.887C>T, p.Thr296Ile (NM_001348424.1, NM_001348425.2, NM_001348426.2 and 7 more transcripts); c.761C>T, p.Thr254Ile (NM_001348434.2); short protein forms T254I, T296I.
Identifiers: ClinVar variation 3364486 (VCV003364486.1).

ClinVar aggregate classification (germline): Uncertain significance (1 of 4 stars; one submission).

gnomAD v4.1: 2 of 1,613,612 alleles (0.00012%); highest among the groups gnomAD compares: African/African-American, 0.0013%; no homozygotes.

Submission:

GeneDx
Classification: Uncertain significance. Last evaluated: 2023-11-15. Review status: criteria provided, single submitter. Criteria: GeneDx Variant Classification Process June 2021. Collection method: clinical testing. Allele origin: germline. Affected: yes.
Comment: Not observed at significant frequency in large population cohorts (gnomAD); In silico analysis supports that this missense variant does not alter protein structure/function; Has not been previously published as pathogenic or benign to our knowledge